The following is an entry in ClinVar:

NM_015662.3(IFT172):c.4290C>T (p.Cys1430=)

Gene: IFT172 (intraflagellar transport 172; minus strand). Cytogenetic location: 2p23.3.
Variant type: single nucleotide variant.
Coding change: c.4290C>T on transcript NM_015662.3 (MANE Select); coding-DNA position 4290, C replaced by T.
Protein change: p.Cys1430=; no amino-acid change (cysteine 1430 retained).
Molecular consequence: synonymous variant.
Genome position (GRCh38, 1-based): chr2:27,449,315, G>A on the plus strand (C>T on the coding strand, the complement: IFT172 is on the minus strand). VCF-style: chr2-27449315-G-A. GRCh37 (hg19) VCF-style: chr2-27672182-G-A.
Other names: c.4290C>T (NM_015662.2).
Identifiers: ClinVar variation 1137643 (VCV001137643.13), dbSNP rs551376007, ClinGen allele CA1579661.

ClinVar aggregate classification (germline): Likely benign. Review status: criteria provided, multiple submitters, no conflicts (2 of 4 stars). 4 submissions from 4 submitters: Likely benign (3). 1 of the submissions does not count toward it. Last evaluated 2025-12-21.

Conditions:
Retinitis pigmentosa 71 (RP71). Identifiers: Orphanet 791, MedGen C4225342, MONDO:0014618, OMIM 616394.
Bardet-Biedl syndrome 20. Identifiers: MedGen C4310707, MONDO:0023670, OMIM 619471, MONDO:0014926.
Short-rib thoracic dysplasia 10 with or without polydactyly (SRTD10). Identifiers: Orphanet 474, MedGen C3810175, MONDO:0014284, OMIM 615630.
IFT172-related disorder. Also called: IFT172-related condition; IFT172-related disorders.

Allele frequency attached by ClinVar (database versions not stated): TOPMed 0.00001; gnomAD 0.00003; gnomAD exomes 0.00014 and 0.00025; 1000 Genomes Project 30x 0.00031; ExAC 0.00031; 1000 Genomes Project 0.00040.
gnomAD v4.1: 204 of 1,614,128 alleles (0.013%); highest among the groups gnomAD compares: South Asian, 0.2%; 1 homozygote.

Submissions (4):

Labcorp Genetics (formerly Invitae), Labcorp
Classification: Likely benign for Retinitis pigmentosa 71; Short-rib thoracic dysplasia 10 with or without polydactyly. Last evaluated: 2025-12-21. Review status: criteria provided, single submitter. Criteria: Invitae Variant Classification Sherloc (09022015). Collection method: clinical testing. Allele origin: germline.

Blueprint Genetics
Classification: Likely benign. Last evaluated: 2024-10-28. Review status: criteria provided, single submitter. Criteria: ACMG Guidelines, 2015. Collection method: clinical testing. Allele origin: germline.

Fulgent Genetics
Classification: Likely benign for Short-rib thoracic dysplasia 10 with or without polydactyly; Retinitis pigmentosa 71; Bardet-Biedl syndrome 20. Last evaluated: 2021-12-29. Review status: criteria provided, single submitter. Criteria: ACMG Guidelines, 2015. Collection method: clinical testing. Allele origin: unknown.

PreventionGenetics, part of Exact Sciences
Classification: Likely benign for IFT172-related condition. Last evaluated: 2019-07-22. Review status: no assertion criteria provided. Collection method: clinical testing. Allele origin: germline. Not counted in ClinVar's aggregate classification.
Comment: This variant is classified as likely benign based on ACMG/AMP sequence variant interpretation guidelines (Richards et al. 2015 PMID: 25741868, with internal and published modifications).